The following is an entry in ClinVar:

ClinVar aggregate classification (germline): Benign/Likely benign. Review status: criteria provided, multiple submitters, no conflicts (2 of 4 stars). 4 submissions from 4 submitters: Benign (1); Likely benign (3). Last evaluated 2026-09-01.

Allele frequency attached by ClinVar (database versions not stated): ExAC 0.00099; 1000 Genomes Project 0.00280; 1000 Genomes Project 30x 0.00312; gnomAD 0.00318 and 0.00337; ESP Exome Variant Server 0.00346; TOPMed 0.00373; gnomAD exomes 0.00031 and 0.00084.
gnomAD v4.1: 977 of 1,614,098 alleles (0.061%); highest among the groups gnomAD compares: African/African-American, 1.1%; 5 homozygotes.

Submissions (4):

CeGaT Center for Human Genetics Tuebingen
Classification: Likely benign. Last evaluated: 2026-09-01. Review status: criteria provided, single submitter. Criteria: CeGaT Center For Human Genetics Tuebingen Variant Classification Criteria Version 2. Collection method: clinical testing. Allele origin: germline. Affected: yes. Observed: 1 variant allele.
Comment: SMO: BP4, BP7, BS1

Blueprint Genetics
Classification: Likely benign. Last evaluated: 2024-10-23. Review status: criteria provided, single submitter. Criteria: ACMG Guidelines, 2015. Collection method: clinical testing. Allele origin: germline.

GeneDx
Classification: Likely benign. Last evaluated: 2021-03-23. Review status: criteria provided, single submitter. Criteria: GeneDx Variant Classification Process June 2021. Collection method: clinical testing. Allele origin: germline. Affected: yes.

Labcorp Genetics (formerly Invitae), Labcorp
Classification: Benign. Last evaluated: 2018-07-23. Review status: criteria provided, single submitter. Criteria: Invitae Variant Classification Sherloc (09022015). Collection method: clinical testing. Allele origin: germline.

NM_005631.5(SMO):c.2259G>A (p.Pro753=)

Gene: SMO (smoothened, frizzled class receptor; plus strand). Cytogenetic location: 7q32.1.
Variant type: single nucleotide variant.
Coding change: c.2259G>A on transcript NM_005631.5 (MANE Select); coding-DNA position 2259, G replaced by A.
Protein change: p.Pro753=; no amino-acid change (proline 753 retained).
Molecular consequence: synonymous variant.
Genome position (GRCh38, 1-based): chr7:129,212,346, G>A. VCF-style: chr7-129212346-G-A. GRCh37 (hg19) VCF-style: chr7-128852187-G-A.
Identifiers: ClinVar variation 778364 (VCV000778364.7), dbSNP rs45516102, ClinGen allele CA4479645.